The following is an entry in ClinVar:

NM_004655.4(AXIN2):c.1404C>A (p.Asp468Glu)

Gene: AXIN2 (axin 2; minus strand). Cytogenetic location: 17q24.1.
Variant type: single nucleotide variant.
Coding change: c.1404C>A on transcript NM_004655.4 (MANE Select); coding-DNA position 1404, C replaced by A.
Protein change: p.Asp468Glu; replaces aspartic acid 468 with glutamic acid.
Molecular consequence: missense variant.
Genome position (GRCh38, 1-based): chr17:65,537,632, G>T on the plus strand (C>A on the coding strand, the complement: AXIN2 is on the minus strand). VCF-style: chr17-65537632-G-T. GRCh37 (hg19) VCF-style: chr17-63533750-G-T.
Other names: c.1404C>A, p.Asp468Glu (NM_001363813.1); short protein forms D468E.
Identifiers: ClinVar variation 1771872 (VCV001771872.2), dbSNP rs2144463784, ClinGen allele CA400677575.
Genomic context (GRCh38, chr17:65,537,632, plus strand): 5'-AGGCAGCTTGCCACCGGGCGGGAGCAGGGAGTGGTACTGCGAATGGTGGTGGTGGTGGTG[G>T]TCCGGGGAGCGGGAGCGGGGGCTATAGCGGCCTACGCCTGGAGACTGGCAGCCAGGGGTC-3'
Protein context (NP_004646.3, residues 458-478): GRYSPRSRSP[Asp468Glu]HHHHHHSQYH

ClinVar aggregate classification (germline): Uncertain significance (1 of 4 stars; one submission).

Conditions:
Hereditary cancer-predisposing syndrome. Also called: Hereditary Cancer Syndrome; Hereditary neoplastic syndrome; Neoplastic Syndromes, Hereditary; Tumor predisposition. Identifiers: Orphanet 140162, MedGen C0027672, MeSH D009386, MONDO:0015356.

Submission:

Ambry Genetics
Classification: Uncertain significance for Hereditary cancer-predisposing syndrome. Last evaluated: 2021-07-15. Review status: criteria provided, single submitter. Criteria: Ambry Variant Classification Scheme 2023. Collection method: clinical testing. Allele origin: germline.
Comment: The p.D468E variant (also known as c.1404C>A), located in coding exon 5 of the AXIN2 gene, results from a C to A substitution at nucleotide position 1404. The aspartic acid at codon 468 is replaced by glutamic acid, an amino acid with highly similar properties. This amino acid position is conserved. In addition, this alteration is predicted to be tolerated by in silico analysis. Since supporting evidence is limited at this time, the clinical significance of this alteration remains unclear.